The following is an entry in ClinVar:

NM_052947.4(ALPK2):c.4144A>G (p.Lys1382Glu)

Genes: ALPK2 (alpha kinase 2; minus strand), LOC126862764 (BRD4-independent group 4 enhancer GRCh37_chr18:56202574-56203773; plus strand). Cytogenetic location: 18q21.31.
Variant type: single nucleotide variant.
Coding change: c.4144A>G on transcript NM_052947.4 (MANE Select); coding-DNA position 4144, A replaced by G.
Protein change: p.Lys1382Glu; replaces lysine 1382 with glutamic acid.
Molecular consequence: missense variant.
Genome position (GRCh38, 1-based): chr18:58,536,043, T>C on the plus strand (A>G on the coding strand, the complement: ALPK2 is on the minus strand). VCF-style: chr18-58536043-T-C. GRCh37 (hg19) VCF-style: chr18-56203275-T-C.
Other names: short protein forms K1382E.
Identifiers: ClinVar variation 2564043 (VCV002564043.2), dbSNP rs904934496, ClinGen allele CA300926701.
Genomic context (GRCh38, chr18:58,536,043, plus strand): 5'-AGGACTCTAGGATTTTAGGGCAGGTCAGAAACTTTTTAAAGAAGGCAGTGTGATCCATCT[T>C]GAGTTGTTTTTCCTCCTGGTCTTGACTCACATTGTTAACATTTTCCTTCCCTCCAGTTTC-3'
Protein context (NP_443179.3, residues 1372-1392): VSQDQEEKQL[Lys1382Glu]MDHTAFFKKF

ClinVar aggregate classification (germline): Uncertain significance (1 of 4 stars; one submission).

Allele frequency attached by ClinVar (database versions not stated): TOPMed 0.00001.

Submission:

Ambry Genetics
Classification: Uncertain significance. Last evaluated: 2023-03-26. Review status: criteria provided, single submitter. Criteria: Ambry Variant Classification Scheme 2023. Collection method: clinical testing. Allele origin: germline.
Comment: The p.K1382E variant (also known as c.4144A>G), located in coding exon 4 of the ALPK2 gene, results from an A to G substitution at nucleotide position 4144. The lysine at codon 1382 is replaced by glutamic acid, an amino acid with similar properties. This amino acid position is conserved. In addition, this alteration is predicted to be tolerated by in silico analysis. Since supporting evidence is limited at this time, the clinical significance of this alteration remains unclear.